The following is an entry in ClinVar:

NM_000090.4(COL3A1):c.3298C>T (p.Arg1100Cys)

Gene: COL3A1 (collagen type III alpha 1 chain; plus strand). Cytogenetic location: 2q32.2.
Variant type: single nucleotide variant.
Coding change: c.3298C>T on transcript NM_000090.4 (MANE Select); coding-DNA position 3298, C replaced by T.
Protein change: p.Arg1100Cys; replaces arginine 1100 with cysteine.
Molecular consequence: missense variant.
Genome position (GRCh38, 1-based): chr2:189,007,542, C>T. VCF-style: chr2-189007542-C-T. GRCh37 (hg19) VCF-style: chr2-189872268-C-T.
Other names: short protein forms R1100C.
Identifiers: ClinVar variation 895008 (VCV000895008.7), dbSNP rs755321924, ClinGen allele CA075998.

ClinVar aggregate classification (germline): Uncertain significance. Review status: criteria provided, multiple submitters, no conflicts (2 of 4 stars). 4 submissions from 4 submitters: Uncertain significance (4). Last evaluated 2025-04-08.

Conditions:
Familial thoracic aortic aneurysm and aortic dissection (TAAD). Also called: Thoracic aortic aneurysms and dissections. Identifiers: Orphanet 91387, MedGen C4707243, MONDO:0019625.
Ehlers-Danlos syndrome, type 4 (EDSVASC). Also called: Ehlers-Danlos Syndrome Type IV; Ehlers-Danlos syndrome vascular type; Ehlers Danlos syndrome, ecchymotic type; Ehlers Danlos syndrome, arterial type; Ehlers Danlos syndrome, Sack-Barabas type. Identifiers: Orphanet 286, MedGen C0268338, MONDO:0017314, OMIM 130050.

Allele frequency attached by ClinVar (database versions not stated): gnomAD exomes 0.00001; ExAC 0.00002.

Submissions (4):

Color Diagnostics, LLC DBA Color Health
Classification: Uncertain significance for Familial thoracic aortic aneurysm and aortic dissection. Last evaluated: 2025-04-08. Review status: criteria provided, single submitter. Criteria: ACMG Guidelines, 2015. Collection method: clinical testing. Allele origin: germline.
Comment: This missense variant replaces arginine with cysteine at codon 1100 of the COL3A1 protein. Computational prediction suggests that this variant may have a deleterious impact on protein structure and function. To our knowledge, functional studies have not been reported for this variant. This variant has been reported in an individual affected with sporadic aortic dissection (PMID: 27975164). This variant has been identified in 2/250662 chromosomes in the general population by the Genome Aggregation Database (gnomAD). The available evidence is insufficient to determine the role of this variant in disease conclusively. Therefore, this variant is classified as a Variant of Uncertain Significance.

All of Us Research Program, National Institutes of Health
Classification: Uncertain significance for Ehlers-Danlos syndrome, type 4. Last evaluated: 2024-09-23. Review status: criteria provided, single submitter. Criteria: ACMG Guidelines, 2015. Collection method: clinical testing. Allele origin: germline. Inheritance: Autosomal dominant inheritance. Observed: 1 variant allele, 1 heterozygote.
Comment: This study involves interpretation of variants in research participants for the purpose of population health screening. Participant phenotype was not available at the time of variant classification. Additional details can be found in publication PMID: 35346344, PMCID: PMC8962531

Ambry Genetics
Classification: Uncertain significance for Familial thoracic aortic aneurysm and aortic dissection. Last evaluated: 2024-08-15. Review status: criteria provided, single submitter. Criteria: Ambry Variant Classification Scheme 2023. Collection method: clinical testing. Allele origin: germline.
Comment: The p.R1100C variant (also known as c.3298C>T), located in coding exon 45 of the COL3A1 gene, results from a C to T substitution at nucleotide position 3298. The arginine at codon 1100 is replaced by cysteine, an amino acid with highly dissimilar properties. This amino acid position is not well conserved in available vertebrate species. In addition, the in silico prediction for this alteration is inconclusive. Based on the available evidence, the clinical significance of this variant remains unclear.

Illumina Laboratory Services, Illumina
Classification: Uncertain significance for Ehlers-Danlos syndrome, type 4. Last evaluated: 2018-01-12. Review status: criteria provided, single submitter. Criteria: ICSL Variant Classification Criteria 13 December 2019. Collection method: clinical testing. Allele origin: germline.

Literature cited by the submitters: PubMed 27975164 (cited by Color Diagnostics, LLC DBA Color Health).